The following is an entry in ClinVar:

NM_170707.4(LMNA):c.1629_1636del (p.Val544fs)

Gene: LMNA (lamin A/C; plus strand). Cytogenetic location: 1q22.
Variant type: Deletion.
Coding change: c.1629_1636del on transcript NM_170707.4 (MANE Select); coding-DNA positions 1629 to 1636, 8 bases deleted (GGTGCGCT; older notation c.1629_1636delGGTGCGCT).
Protein change: p.Val544fs; shifts the reading frame from valine 544.
Molecular consequence: frameshift variant. On other transcripts: intron variant (1).
Genome position (GRCh38, 1-based): chr1:156,137,674-156,137,681, GGTGCGCT deleted; deleting any 8 consecutive bases within chr1:156,137,671-156,137,681 gives the same sequence; the c. name uses the placement nearest the transcript's 3' end. VCF-style (leftmost placement, unchanged base first): chr1-156137670-AGCTGGTGC-A. GRCh37 (hg19) VCF-style: chr1-156107461-AGCTGGTGC-A.
Other names: c.1293_1300del, p.Val432fs (NM_001257374.3); c.1386_1393del, p.Val463fs (NM_001282624.2); c.1629_1636del, p.Val544fs (NM_001282625.2, NM_001282626.2, NM_005572.4); c.1608+442_1608+449del (NM_170708.4); short protein forms V463fs, V432fs, V544fs.
Identifiers: ClinVar variation 419142 (VCV000419142.2), dbSNP rs1064793674, ClinGen allele CA16617002.

ClinVar aggregate classification (germline): Pathogenic (1 of 4 stars; one submission).

Submission:

GeneDx
Classification: Pathogenic. Last evaluated: 2015-06-14. Review status: criteria provided, single submitter. Criteria: GeneDx Variant Classification (06012015). Collection method: clinical testing. Allele origin: germline. Affected: yes.
Comment: The c.1629_1636delGGTGCGCT deletion in the LMNA gene has not been published previously, to our knowledge. Loss of function variants are known to be pathogenic in this gene associated withhypertrophic cardiomyopathy. Based on the ACMG recommendations, c.1629_1636delGGTGCGCT is interpreted as a pathogenic variant.